The following is an entry in ClinVar:

ClinVar aggregate classification (germline): Uncertain significance (1 of 4 stars; one submission).

gnomAD v4.1: 1 of 1,599,194 alleles (0.000063%); highest among the groups gnomAD compares: Non-Finnish European, 0.000085%; no homozygotes.

Submission:

Labcorp Genetics (formerly Invitae), Labcorp
Classification: Uncertain significance. Last evaluated: 2025-04-17. Review status: criteria provided, single submitter. Criteria: Invitae Variant Classification Sherloc (09022015). Collection method: clinical testing. Allele origin: germline.
Comment: This sequence change falls in intron 110 of the COL7A1 gene. It does not directly change the encoded amino acid sequence of the COL7A1 protein. It affects a nucleotide within the consensus splice site. This variant is present in population databases (no rsID available, gnomAD 0.001%). This variant has not been reported in the literature in individuals affected with COL7A1-related conditions. Variants that disrupt the consensus splice site are a relatively common cause of aberrant splicing (PMID: 17576681, 9536098). Algorithms developed to predict the effect of sequence changes on RNA splicing suggest that this variant is not likely to affect RNA splicing. In summary, the available evidence is currently insufficient to determine the role of this variant in disease. Therefore, it has been classified as a Variant of Uncertain Significance.

Literature cited by the submitters: PubMed 17576681; PubMed 9536098.

NM_000094.4(COL7A1):c.8226+5G>A

Gene: COL7A1 (collagen type VII alpha 1 chain; minus strand). Cytogenetic location: 3p21.31.
Variant type: single nucleotide variant.
Coding change: c.8226+5G>A on transcript NM_000094.4 (MANE Select); 5 bases into the intron after coding-DNA position 8226, G replaced by A.
Molecular consequence: intron variant.
Genome position (GRCh38, 1-based): chr3:48,566,902, C>T on the plus strand (G>A on the coding strand, the complement: COL7A1 is on the minus strand). VCF-style: chr3-48566902-C-T. GRCh37 (hg19) VCF-style: chr3-48604335-C-T.
Identifiers: ClinVar variation 4769388 (VCV004769388.1).